The following is an entry in ClinVar:

NM_002098.6(GUCA1B):c.328G>A (p.Asp110Asn)

Gene: GUCA1B (guanylate cyclase activator 1B; minus strand). Cytogenetic location: 6p21.1.
Variant type: single nucleotide variant.
Coding change: c.328G>A on transcript NM_002098.6 (MANE Select); coding-DNA position 328, G replaced by A.
Protein change: p.Asp110Asn; replaces aspartic acid 110 with asparagine.
Molecular consequence: missense variant.
Genome position (GRCh38, 1-based): chr6:42,188,611, C>T on the plus strand (G>A on the coding strand, the complement: GUCA1B is on the minus strand). VCF-style: chr6-42188611-C-T. GRCh37 (hg19) VCF-style: chr6-42156349-C-T.
Other names: short protein forms D110N.
Identifiers: ClinVar variation 1518530 (VCV001518530.8), dbSNP rs1318927228, ClinGen allele CA364112930.
Genomic context (GRCh38, chr6:42,188,611, plus strand): 5'-AGGCTGCTGGCCCATGGGCAGAGACACTAACCTCCACAATGTTGAGTAGCTCCAGGCGGT[C>T]GATGCAGCCATTGCCATCCTTATCATAGATCTTGAATGTCCACTTCAGCTTGTGCTCCAG-3'
Protein context (NP_002089.4, residues 100-120): IYDKDGNGCI[Asp110Asn]RLELLNIVEG

ClinVar aggregate classification (germline): Uncertain significance (1 of 4 stars; one submission).

Allele frequency attached by ClinVar (database versions not stated): gnomAD exomes below 0.00001; TOPMed below 0.00001; gnomAD 0.00001.
gnomAD v4.1: 3 of 1,613,960 alleles (0.00019%); highest among the groups gnomAD compares: African/African-American, 0.0013%; no homozygotes.

Submission:

Labcorp Genetics (formerly Invitae), Labcorp
Classification: Uncertain significance. Last evaluated: 2022-03-09. Review status: criteria provided, single submitter. Criteria: Invitae Variant Classification Sherloc (09022015). Collection method: clinical testing. Allele origin: germline.
Comment: In summary, the available evidence is currently insufficient to determine the role of this variant in disease. Therefore, it has been classified as a Variant of Uncertain Significance. Algorithms developed to predict the effect of missense changes on protein structure and function output the following: SIFT: "Tolerated"; PolyPhen-2: "Benign"; Align-GVGD: "Class C0". The asparagine amino acid residue is found in multiple mammalian species, which suggests that this missense change does not adversely affect protein function. This variant has not been reported in the literature in individuals affected with GUCA1B-related conditions. This variant is present in population databases (no rsID available, gnomAD no frequency). This sequence change replaces aspartic acid, which is acidic and polar, with asparagine, which is neutral and polar, at codon 110 of the GUCA1B protein (p.Asp110Asn).